The following is an entry in ClinVar:

NM_006509.4(RELB):c.1601T>C (p.Leu534Pro)

Gene: RELB (RELB proto-oncogene, NF-kB subunit; plus strand). Cytogenetic location: 19q13.32.
Variant type: single nucleotide variant.
Coding change: c.1601T>C on transcript NM_006509.4 (MANE Select); coding-DNA position 1601, T replaced by C.
Protein change: p.Leu534Pro; replaces leucine 534 with proline.
Molecular consequence: missense variant.
Genome position (GRCh38, 1-based): chr19:45,037,651, T>C. VCF-style: chr19-45037651-T-C. GRCh37 (hg19) VCF-style: chr19-45540909-T-C.
Other names: c.1592T>C, p.Leu531Pro (NM_001411087.1); short protein forms L534P, L531P.
Identifiers: ClinVar variation 1925793 (VCV001925793.5), dbSNP rs369966814, ClinGen allele CA9507921.

ClinVar aggregate classification (germline): Uncertain significance (1 of 4 stars; one submission).

Allele frequency attached by ClinVar (database versions not stated): gnomAD 0.00001; TOPMed 0.00001; ExAC 0.00002; gnomAD exomes 0.00004; ESP Exome Variant Server 0.00008.
gnomAD v4.1: 53 of 1,597,352 alleles (0.0033%); highest among the groups gnomAD compares: Non-Finnish European, 0.0045%; no homozygotes.

Submission:

Labcorp Genetics (formerly Invitae), Labcorp
Classification: Uncertain significance. Last evaluated: 2022-09-27. Review status: criteria provided, single submitter. Criteria: Invitae Variant Classification Sherloc (09022015). Collection method: clinical testing. Allele origin: germline.
Comment: In summary, the available evidence is currently insufficient to determine the role of this variant in disease. Therefore, it has been classified as a Variant of Uncertain Significance. Algorithms developed to predict the effect of missense changes on protein structure and function are either unavailable or do not agree on the potential impact of this missense change (SIFT: "Deleterious"; PolyPhen-2: "Possibly Damaging"; Align-GVGD: "Class C0"). This variant has not been reported in the literature in individuals affected with RELB-related conditions. This variant is present in population databases (rs369966814, gnomAD 0.008%). This sequence change replaces leucine, which is neutral and non-polar, with proline, which is neutral and non-polar, at codon 534 of the RELB protein (p.Leu534Pro).